The following is an entry in ClinVar:

NM_001199097.2(BAIAP3):c.2022C>T (p.Asp674=)

Gene: BAIAP3 (BAI1 associated protein 3; plus strand). Cytogenetic location: 16p13.3.
Variant type: single nucleotide variant.
Coding change: c.2022C>T on transcript NM_001199097.2 (MANE Select); coding-DNA position 2022, C replaced by T.
Protein change: p.Asp674=; no amino-acid change (aspartic acid 674 retained).
Molecular consequence: synonymous variant.
Genome position (GRCh38, 1-based): chr16:1,345,330, C>T. VCF-style: chr16-1345330-C-T. GRCh37 (hg19) VCF-style: chr16-1395331-C-T.
Other names: c.1914C>T, p.Asp638= (NM_001199096.2); c.1953C>T, p.Asp651= (NM_001199098.2); c.1938C>T, p.Asp646= (NM_001199099.2); c.2073C>T, p.Asp691= (NM_001286464.2); c.2127C>T, p.Asp709= (NM_003933.5).
Identifiers: ClinVar variation 2645894 (VCV002645894.24), dbSNP rs144507024, ClinGen allele CA7806271.

ClinVar aggregate classification (germline): Benign (1 of 4 stars; one submission).

Allele frequency attached by ClinVar (database versions not stated): 1000 Genomes Project 0.00040; ExAC 0.00060; 1000 Genomes Project 30x 0.00062; gnomAD 0.00070; TOPMed 0.00074; ESP Exome Variant Server 0.00146.
gnomAD v4.1: 1,449 of 1,613,050 alleles (0.09%); highest among the groups gnomAD compares: Middle Eastern, 0.2%; 4 homozygotes.

Submission:

CeGaT Center for Human Genetics Tuebingen
Classification: Benign. Last evaluated: 2022-07-01. Review status: criteria provided, single submitter. Criteria: CeGaT Center For Human Genetics Tuebingen Variant Classification Criteria Version 2. Collection method: clinical testing. Allele origin: germline. Affected: yes. Observed: 1 variant allele.
Comment: BAIAP3: BS1, BS2